The following is an entry in ClinVar:

NM_000124.4(ERCC6):c.438C>T (p.Ser146=)

Gene: ERCC6 (ERCC excision repair 6, chromatin remodeling factor; minus strand). Cytogenetic location: 10q11.23.
Variant type: single nucleotide variant.
Coding change: c.438C>T on transcript NM_000124.4 (MANE Select); coding-DNA position 438, C replaced by T.
Protein change: p.Ser146=; no amino-acid change (serine 146 retained).
Molecular consequence: synonymous variant.
Genome position (GRCh38, 1-based): chr10:49,530,825, G>A on the plus strand (C>T on the coding strand, the complement: ERCC6 is on the minus strand). VCF-style: chr10-49530825-G-A. GRCh37 (hg19) VCF-style: chr10-50738871-G-A.
Other names: c.438C>T, p.Ser146= (NM_001277058.2, NM_001277059.2, NM_001346440.2).
Identifiers: ClinVar variation 593256 (VCV000593256.45), dbSNP rs138756386, ClinGen allele CA5496530.

ClinVar aggregate classification (germline): Conflicting classifications of pathogenicity. Review status: criteria provided, conflicting classifications (1 of 4 stars). 5 submissions from 5 submitters: Uncertain significance (1); Benign (1); Likely benign (3). Last evaluated 2026-01-11.

Allele frequency attached by ClinVar (database versions not stated): gnomAD exomes 0.00025; ExAC 0.00030; ESP Exome Variant Server 0.00046; TOPMed 0.00075; 1000 Genomes Project 0.00120; 1000 Genomes Project 30x 0.00141.
gnomAD v4.1: 251 of 1,613,370 alleles (0.016%); highest among the groups gnomAD compares: African/African-American, 0.27%; 3 homozygotes.

Submissions (5):

Labcorp Genetics (formerly Invitae), Labcorp
Classification: Benign. Last evaluated: 2026-01-11. Review status: criteria provided, single submitter. Criteria: Invitae Variant Classification Sherloc (09022015). Collection method: clinical testing. Allele origin: germline.

CeGaT Center for Human Genetics Tuebingen
Classification: Likely benign. Last evaluated: 2023-02-01. Review status: criteria provided, single submitter. Criteria: CeGaT Center For Human Genetics Tuebingen Variant Classification Criteria Version 2. Collection method: clinical testing. Allele origin: germline. Affected: yes. Observed: 2 variant alleles.
Comment: ERCC6: BP4, BP7

Blueprint Genetics
Classification: Likely benign. Last evaluated: 2021-12-03. Review status: criteria provided, single submitter. Criteria: ACMG Guidelines, 2015. Collection method: clinical testing. Allele origin: germline.

GeneDx
Classification: Likely benign. Last evaluated: 2021-08-02. Review status: criteria provided, single submitter. Criteria: GeneDx Variant Classification Process June 2021. Collection method: clinical testing. Allele origin: germline. Affected: yes.

Eurofins Ntd Llc (ga)
Classification: Uncertain significance. Last evaluated: 2018-05-09. Review status: criteria provided, single submitter. Criteria: EGL ClinVar v180209 classification definitions. Collection method: clinical testing. Allele origin: germline. Observed: 2 variant alleles, 2 heterozygotes.